The following is an entry in ClinVar:

NM_001034853.2(RPGR):c.3430G>C (p.Val1144Leu)

Gene: RPGR (retinitis pigmentosa GTPase regulator; minus strand). Cytogenetic location: Xp11.4.
Variant type: single nucleotide variant.
Coding change: c.3430G>C on transcript NM_001034853.2 (MANE Select); coding-DNA position 3430, G replaced by C.
Protein change: p.Val1144Leu; replaces valine 1144 with leucine.
Molecular consequence: missense variant. On other transcripts: intron variant (8).
Genome position (GRCh38, 1-based): chrX:38,285,569, C>G on the plus strand (G>C on the coding strand, the complement: RPGR is on the minus strand). VCF-style: chrX-38285569-C-G. GRCh37 (hg19) VCF-style: chrX-38144822-C-G.
Other names: c.1569+5390G>C (NM_001367249.1, NM_001367250.1); c.1902+1525G>C (NM_001367245.1); c.1386+5390G>C (NM_001367251.1); c.1719+1525G>C (NM_001367246.1); c.1572+5390G>C (NM_001367247.1); c.1905+1525G>C (NM_000328.3); c.1602+5390G>C (NM_001367248.1); short protein forms V1144L.
Identifiers: ClinVar variation 3634878 (VCV003634878.3).

ClinVar aggregate classification (germline): Uncertain significance. Review status: criteria provided, multiple submitters, no conflicts (2 of 4 stars). 2 submissions from 2 submitters: Uncertain significance (2). Last evaluated 2024-05-16.

Conditions:
Primary ciliary dyskinesia. Also called: Ciliary dyskinesia. Identifiers: Orphanet 244, MedGen C0008780, MONDO:0016575, HP:0012265.

Submissions (2):

Labcorp Genetics (formerly Invitae), Labcorp
Classification: Uncertain significance for Primary ciliary dyskinesia. Last evaluated: 2024-05-16. Review status: criteria provided, single submitter. Criteria: Invitae Variant Classification Sherloc (09022015). Collection method: clinical testing. Allele origin: germline.
Comment: This sequence change replaces valine, which is neutral and non-polar, with leucine, which is neutral and non-polar, at codon 1144 of the RPGR (ORF15) protein (p.Val1144Leu). This variant is not present in population databases (gnomAD no frequency). This variant has not been reported in the literature in individuals affected with RPGR (ORF15)-related conditions. Advanced modeling of protein sequence and biophysical properties (such as structural, functional, and spatial information, amino acid conservation, physicochemical variation, residue mobility, and thermodynamic stability) performed at Invitae indicates that this missense variant is not expected to disrupt RPGR (ORF15) protein function with a negative predictive value of 95%. In summary, the available evidence is currently insufficient to determine the role of this variant in disease. Therefore, it has been classified as a Variant of Uncertain Significance.

Blueprint Genetics
Classification: Uncertain significance. Last evaluated: 2021-08-11. Review status: criteria provided, single submitter. Criteria: ACMG Guidelines, 2015. Collection method: clinical testing. Allele origin: germline.